The following is an entry in ClinVar:

NM_005144.5(HR):c.2566C>G (p.Arg856Gly)

Gene: HR (HR lysine demethylase and nuclear receptor corepressor; minus strand). Cytogenetic location: 8p21.3.
Variant type: single nucleotide variant.
Coding change: c.2566C>G on transcript NM_005144.5 (MANE Select); coding-DNA position 2566, C replaced by G.
Protein change: p.Arg856Gly; replaces arginine 856 with glycine.
Molecular consequence: missense variant.
Genome position (GRCh38, 1-based): chr8:22,120,760, G>C on the plus strand (C>G on the coding strand, the complement: HR is on the minus strand). VCF-style: chr8-22120760-G-C. GRCh37 (hg19) VCF-style: chr8-21978273-G-C.
Other names: c.2566C>G, p.Arg856Gly (NM_018411.4); short protein forms R856G.
Identifiers: ClinVar variation 362491 (VCV000362491.10), dbSNP rs377059643, ClinGen allele CA4662082.
Genomic context (GRCh38, chr8:22,120,760, plus strand): 5'-GGGAGGGGTGCCTCACCTGGCCCTGCCTCCAGTGCTCCTGGAAGAGGTGGAAGCCACGCC[G>C]AGGGCAAGGCTGGGGCTCCTGCAGCCACAGCAAAGCCCCTGGGGGAGGCAGCCGGGGCCG-3'
Protein context (NP_005135.2, residues 846-866): LWLQEPQPCP[Arg856Gly]RGFHLFQEHW

ClinVar aggregate classification (germline): Uncertain significance. Review status: criteria provided, multiple submitters, no conflicts (2 of 4 stars). 4 submissions from 3 submitters: Uncertain significance (4). Last evaluated 2025-10-29.

Conditions:
Inborn genetic diseases. Identifiers: MedGen C0950123, MeSH D030342.
Alopecia universalis congenita (ALUNC). Also called: ATRICHIA, GENERALIZED. Identifiers: Orphanet 701, MedGen C1859877, MONDO:0008757, OMIM 203655.
Atrichia with papular lesions (APL). Also called: PAPULAR ATRICHIA. Identifiers: Orphanet 86819, MedGen C1859592, MONDO:0008847, OMIM 209500.

Allele frequency attached by ClinVar (database versions not stated): TOPMed 0.00030.

Submissions (4):

Ambry Genetics
Classification: Uncertain significance for Inborn genetic diseases. Last evaluated: 2025-10-29. Review status: criteria provided, single submitter. Criteria: Ambry Variant Classification Scheme 2023. Collection method: clinical testing. Allele origin: germline.

Labcorp Genetics (formerly Invitae), Labcorp
Classification: Uncertain significance. Last evaluated: 2025-09-16. Review status: criteria provided, single submitter. Criteria: Invitae Variant Classification Sherloc (09022015). Collection method: clinical testing. Allele origin: germline.
Comment: This sequence change replaces arginine, which is basic and polar, with glycine, which is neutral and non-polar, at codon 856 of the HR protein (p.Arg856Gly). This variant is present in population databases (rs377059643, gnomAD 0.1%). This variant has not been reported in the literature in individuals affected with HR-related conditions. ClinVar contains an entry for this variant (Variation ID: 362491). An algorithm developed to predict the effect of missense changes on protein structure and function outputs the following: PolyPhen-2: "Benign". The glycine amino acid residue is found in multiple mammalian species, which suggests that this missense change does not adversely affect protein function. In summary, the available evidence is currently insufficient to determine the role of this variant in disease. Therefore, it has been classified as a Variant of Uncertain Significance.

Illumina Laboratory Services, Illumina
Classification: Uncertain significance for Alopecia universalis congenita. Last evaluated: 2018-01-13. Review status: criteria provided, single submitter. Criteria: ICSL Variant Classification Criteria 13 December 2019. Collection method: clinical testing. Allele origin: germline.

Illumina Laboratory Services, Illumina
Classification: Uncertain significance for Atrichia with papular lesions. Last evaluated: 2018-01-13. Review status: criteria provided, single submitter. Criteria: ICSL Variant Classification Criteria 13 December 2019. Collection method: clinical testing. Allele origin: germline.